The following is an entry in ClinVar:

NM_001270.4(CHD1):c.746A>G (p.Lys249Arg)

Gene: CHD1 (chromodomain helicase DNA binding protein 1; minus strand). Cytogenetic location: 5q21.1.
Variant type: single nucleotide variant.
Coding change: c.746A>G on transcript NM_001270.4 (MANE Select); coding-DNA position 746, A replaced by G.
Protein change: p.Lys249Arg; replaces lysine 249 with arginine.
Molecular consequence: missense variant. On other transcripts: non-coding transcript variant (2).
Genome position (GRCh38, 1-based): chr5:98,900,924, T>C on the plus strand (A>G on the coding strand, the complement: CHD1 is on the minus strand). VCF-style: chr5-98900924-T-C. GRCh37 (hg19) VCF-style: chr5-98236628-T-C.
Other names: c.746A>G, p.Lys249Arg (NM_001364113.3, NM_001376194.2); short protein forms K249R.
Identifiers: ClinVar variation 3897260 (VCV003897260.1).

ClinVar aggregate classification (germline): Uncertain significance (1 of 4 stars; one submission).

gnomAD v4.1: 1 of 1,614,012 alleles (0.000062%); highest among the groups gnomAD compares: African/African-American, 0.0013%; no homozygotes.

Submission:

GeneDx
Classification: Uncertain significance. Last evaluated: 2024-11-01. Review status: criteria provided, single submitter. Criteria: GeneDx Variant Classification Process June 2021. Collection method: clinical testing. Allele origin: germline. Affected: yes.
Comment: Not observed at significant frequency in large population cohorts (gnomAD); In silico analysis indicates that this missense variant does not alter protein structure/function; Has not been previously published as pathogenic or benign to our knowledge